The following is an entry in ClinVar:

NM_006231.4(POLE):c.2918T>G (p.Val973Gly)

Gene: POLE (DNA polymerase epsilon, catalytic subunit; minus strand). Cytogenetic location: 12q24.33.
Variant type: single nucleotide variant.
Coding change: c.2918T>G on transcript NM_006231.4 (MANE Select); coding-DNA position 2918, T replaced by G.
Protein change: p.Val973Gly; replaces valine 973 with glycine.
Molecular consequence: missense variant.
Genome position (GRCh38, 1-based): chr12:132,661,111, A>C on the plus strand (T>G on the coding strand, the complement: POLE is on the minus strand). VCF-style: chr12-132661111-A-C. GRCh37 (hg19) VCF-style: chr12-133237697-A-C.
Other names: short protein forms V973G.
Identifiers: ClinVar variation 2702709 (VCV002702709.3), dbSNP rs2138691614, ClinGen allele CA387392700.

ClinVar aggregate classification (germline): Uncertain significance (1 of 4 stars; one submission).

Submission:

Labcorp Genetics (formerly Invitae), Labcorp
Classification: Uncertain significance. Last evaluated: 2023-12-13. Review status: criteria provided, single submitter. Criteria: Invitae Variant Classification Sherloc (09022015). Collection method: clinical testing. Allele origin: germline.
Comment: This sequence change replaces valine, which is neutral and non-polar, with glycine, which is neutral and non-polar, at codon 973 of the POLE protein (p.Val973Gly). This variant is not present in population databases (gnomAD no frequency). This variant has not been reported in the literature in individuals affected with POLE-related conditions. Advanced modeling of protein sequence and biophysical properties (such as structural, functional, and spatial information, amino acid conservation, physicochemical variation, residue mobility, and thermodynamic stability) performed at Invitae indicates that this missense variant is expected to disrupt POLE protein function with a positive predictive value of 80%. In summary, the available evidence is currently insufficient to determine the role of this variant in disease. Therefore, it has been classified as a Variant of Uncertain Significance.